The following is an entry in ClinVar:

NM_001042492.3(NF1):c.1069C>G (p.Leu357Val)

Gene: NF1 (neurofibromin 1; plus strand). Cytogenetic location: 17q11.2.
Variant type: single nucleotide variant.
Coding change: c.1069C>G on transcript NM_001042492.3 (MANE Select); coding-DNA position 1069, C replaced by G.
Protein change: p.Leu357Val; replaces leucine 357 with valine.
Molecular consequence: missense variant.
Genome position (GRCh38, 1-based): chr17:31,201,043, C>G. VCF-style: chr17-31201043-C-G. GRCh37 (hg19) VCF-style: chr17-29528061-C-G.
Other names: c.1069C>G, p.Leu357Val (NM_000267.4, NM_001128147.3); short protein forms L357V.
Identifiers: ClinVar variation 567012 (VCV000567012.6), dbSNP rs1567835662, ClinGen allele CA398996694.

ClinVar aggregate classification (germline): Uncertain significance. Review status: criteria provided, multiple submitters, no conflicts (2 of 4 stars). 2 submissions from 2 submitters: Uncertain significance (2). Last evaluated 2024-10-18.

Conditions:
Hereditary cancer-predisposing syndrome. Also called: Neoplastic Syndromes, Hereditary; Tumor predisposition; Hereditary Cancer Syndrome; Hereditary neoplastic syndrome. Identifiers: Orphanet 140162, MedGen C0027672, MeSH D009386, MONDO:0015356.
Cardiovascular phenotype. Identifiers: MedGen CN230736.
Neurofibromatosis, type 1 (NF1). Also called: VON RECKLINGHAUSEN DISEASE; NEUROFIBROMATOSIS, TYPE I, SOMATIC; Peripheral type neurofibromatosis; Neurofibromatosis, type I. Identifiers: Orphanet 636, MedGen C0027831, MONDO:0018975, OMIM 162200. Disease mechanism: loss of function.

Submissions (2):

Ambry Genetics
Classification: Uncertain significance for Cardiovascular phenotype; Hereditary cancer-predisposing syndrome. Last evaluated: 2024-10-18. Review status: criteria provided, single submitter. Criteria: Ambry Variant Classification Scheme 2023. Collection method: clinical testing. Allele origin: germline.
Comment: The p.L357V variant (also known as c.1069C>G), located in coding exon 10 of the NF1 gene, results from a C to G substitution at nucleotide position 1069. The leucine at codon 357 is replaced by valine, an amino acid with highly similar properties. This amino acid position is highly conserved in available vertebrate species. In addition, the in silico prediction for this alteration is inconclusive. Based on the available evidence, the clinical significance of this variant remains unclear.

Labcorp Genetics (formerly Invitae), Labcorp
Classification: Uncertain significance for Neurofibromatosis, type 1. Last evaluated: 2018-03-22. Review status: criteria provided, single submitter. Criteria: Invitae Variant Classification Sherloc (09022015). Collection method: clinical testing. Allele origin: germline.
Comment: In summary, the available evidence is currently insufficient to determine the role of this variant in disease. Therefore, it has been classified as a Variant of Uncertain Significance. Algorithms developed to predict the effect of missense changes on protein structure and function do not agree on the potential impact of this missense change (SIFT: "Deleterious"; PolyPhen-2: "Probably Damaging"; Align-GVGD: "Class C0"). This variant has not been reported in the literature in individuals with NF1-related disease. This variant is not present in population databases (ExAC no frequency). This sequence change replaces leucine with valine at codon 357 of the NF1 protein (p.Leu357Val). The leucine residue is highly conserved and there is a small physicochemical difference between leucine and valine.